The following is an entry in ClinVar:

NM_000239.3(LYZ):c.*521G>A

Gene: LYZ (lysozyme; plus strand). Cytogenetic location: 12q15.
Variant type: single nucleotide variant.
Coding change: c.*521G>A on transcript NM_000239.3 (MANE Select); 521 bases downstream of the stop codon, G replaced by A.
Molecular consequence: 3 prime UTR variant.
Genome position (GRCh38, 1-based): chr12:69,353,740, G>A. VCF-style: chr12-69353740-G-A. GRCh37 (hg19) VCF-style: chr12-69747520-G-A.
Identifiers: ClinVar variation 310349 (VCV000310349.6), dbSNP rs567541896, ClinGen allele CA10633512.

ClinVar aggregate classification (germline): Benign. Review status: criteria provided, multiple submitters, no conflicts (2 of 4 stars). 2 submissions from 2 submitters: Benign (2). Last evaluated 2018-01-12.

Conditions:
Familial visceral amyloidosis, Ostertag type (AMYLD2). Also called: AMYLOIDOSIS VIII; Ostertag type amyloidosis; Familial visceral amyloidosis; Hereditary Renal Amyloidosis; Amyloidosis, hepatic and systemic; AMYLOIDOSIS, HEREDITARY SYSTEMIC 2. Identifiers: Orphanet 85450, MedGen C0268389, MONDO:0007099, OMIM 105200.

Allele frequency attached by ClinVar (database versions not stated): 1000 Genomes Project 0.00100; 1000 Genomes Project 30x 0.00172; TOPMed 0.00617.
gnomAD v4.1: 1,041 of 168,682 alleles (0.62%); highest among the groups gnomAD compares: Non-Finnish European, 1%; 9 homozygotes.

Submissions (2):

Illumina Laboratory Services, Illumina
Classification: Benign for Familial visceral amyloidosis, Ostertag type. Last evaluated: 2018-01-12. Review status: criteria provided, single submitter. Criteria: ICSL Variant Classification Criteria 13 December 2019. Collection method: clinical testing. Allele origin: germline.
Comment: This variant was observed in the ICSL laboratory as part of a predisposition screen in an ostensibly healthy population. It had not been previously curated by ICSL or reported in the Human Gene Mutation Database (HGMD: prior to June 1st, 2018), and was therefore a candidate for classification through an automated scoring system. Utilizing variant allele frequency, disease prevalence and penetrance estimates, and inheritance mode, an automated score was calculated to assess if this variant is too frequent to cause the disease. Based on the score and internal cut-off values, a variant classified as benign is not then subjected to further curation. The score for this variant resulted in a classification of benign for this disease.

Breakthrough Genomics
Classification: Benign. Review status: criteria provided, single submitter. Criteria: ACMG Guidelines, 2015. Collection method: not provided. Allele origin: germline. Inheritance: Autosomal dominant inheritance. Affected: yes.